The following is an entry in ClinVar:

ClinVar aggregate classification (germline): Uncertain significance. Review status: criteria provided, multiple submitters, no conflicts (2 of 4 stars). 4 submissions from 4 submitters: Uncertain significance (4). Last evaluated 2025-06-24.

Conditions:
Inborn genetic diseases. Identifiers: MedGen C0950123, MeSH D030342.
Autosomal recessive limb-girdle muscular dystrophy type R18 (LGMDR18). Also called: MUSCULAR DYSTROPHY, LIMB-GIRDLE, AUTOSOMAL RECESSIVE 18; Limb-girdle muscular dystrophy, type 2S; Autosomal recessive limb-girdle muscular dystrophy type 2S. Identifiers: Orphanet 369840, MedGen C4517996, MONDO:0014144, OMIM 615356.

Allele frequency attached by ClinVar (database versions not stated): TOPMed 0.00008; gnomAD 0.00010 and 0.00011; ExAC 0.00011; gnomAD exomes 0.00014; ESP Exome Variant Server 0.00015.
gnomAD v4.1: 230 of 1,613,390 alleles (0.014%); highest among the groups gnomAD compares: Middle Eastern, 0.049%; no homozygotes.

Submissions (4):

Ambry Genetics
Classification: Uncertain significance for Inborn genetic diseases. Last evaluated: 2025-06-24. Review status: criteria provided, single submitter. Criteria: Ambry Variant Classification Scheme 2023. Collection method: clinical testing. Allele origin: germline.

Mayo Clinic Laboratories, Mayo Clinic
Classification: Uncertain significance. Last evaluated: 2025-03-03. Review status: criteria provided, single submitter. Criteria: ACMG Guidelines, 2015. Collection method: clinical testing. Allele origin: germline. Observed: 1 variant allele.
Comment: BP4_moderate

Labcorp Genetics (formerly Invitae), Labcorp
Classification: Uncertain significance for Autosomal recessive limb-girdle muscular dystrophy type R18. Last evaluated: 2025-01-13. Review status: criteria provided, single submitter. Criteria: Invitae Variant Classification Sherloc (09022015). Collection method: clinical testing. Allele origin: germline.
Comment: This sequence change replaces asparagine, which is neutral and polar, with serine, which is neutral and polar, at codon 800 of the TRAPPC11 protein (p.Asn800Ser). This variant is present in population databases (rs140915279, gnomAD 0.02%), including at least one homozygous and/or hemizygous individual. This variant has not been reported in the literature in individuals affected with TRAPPC11-related conditions. ClinVar contains an entry for this variant (Variation ID: 578306). Invitae Evidence Modeling of protein sequence and biophysical properties (such as structural, functional, and spatial information, amino acid conservation, physicochemical variation, residue mobility, and thermodynamic stability) indicates that this missense variant is not expected to disrupt TRAPPC11 protein function with a negative predictive value of 80%. In summary, the available evidence is currently insufficient to determine the role of this variant in disease. Therefore, it has been classified as a Variant of Uncertain Significance.

CeGaT Center for Human Genetics Tuebingen
Classification: Uncertain significance. Last evaluated: 2023-01-01. Review status: criteria provided, single submitter. Criteria: CeGaT Center For Human Genetics Tuebingen Variant Classification Criteria Version 2. Collection method: clinical testing. Allele origin: germline. Affected: yes. Observed: 1 variant allele.

NM_021942.6(TRAPPC11):c.2399A>G (p.Asn800Ser)

Genes: TRAPPC11 (trafficking protein particle complex subunit 11; plus strand), LOC126807238 (BRD4-independent group 4 enhancer GRCh37_chr4:184614366-184615565; plus strand). Cytogenetic location: 4q35.1.
Variant type: single nucleotide variant.
Coding change: c.2399A>G on transcript NM_021942.6 (MANE Select); coding-DNA position 2399, A replaced by G.
Protein change: p.Asn800Ser; replaces asparagine 800 with serine.
Molecular consequence: missense variant.
Genome position (GRCh38, 1-based): chr4:183,693,929, A>G. VCF-style: chr4-183693929-A-G. GRCh37 (hg19) VCF-style: chr4-184615082-A-G.
Other names: p.Asn800Ser; c.2399A>G (NM_021942.4); c.2399A>G, p.Asn800Ser (NM_199053.3); short protein forms N800S.
Identifiers: ClinVar variation 578306 (VCV000578306.38), dbSNP rs140915279, ClinGen allele CA3152185.